The following is an entry in ClinVar:

NM_007294.4(BRCA1):c.729_730insGTAACAAATACTGAACATCATCAACCCAGTA (p.Asn244fs)

Gene: BRCA1 (BRCA1 DNA repair associated; minus strand). Cytogenetic location: 17q21.31.
Variant type: Insertion.
Coding change: c.729_730insGTAACAAATACTGAACATCATCAACCCAGTA on transcript NM_007294.4 (MANE Select); coding-DNA positions 729 to 730, GTAACAAATACTGAACATCATCAACCCAGTA inserted.
Protein change: p.Asn244fs; shifts the reading frame from asparagine 244.
Molecular consequence: frameshift variant. On other transcripts: non-coding transcript variant (1).
Genome position: GRCh38: chr17:43,094,801-43,094,802. GRCh37 (hg19): chr17:41,246,818-41,246,819.
Other names: 848ins817-847 (GTAACAAATACTGAACATCATCAACCCAGTA); c.720_721insGTAACAAATACTGAACATCATCAACCCAGTA, p.Asn241Valfs (NM_001407647.1, NM_001408408.1, NM_001407646.1); c.606_607insGTAACAAATACTGAACATCATCAACCCAGTA, p.Asn203Valfs (NM_001407648.1, NM_001407664.1, NM_001407665.1 and 34 more transcripts); c.603_604insGTAACAAATACTGAACATCATCAACCCAGTA, p.Asn202Valfs (NM_001407649.1, NM_001407670.1, NM_001407671.1 and 20 more transcripts); c.729_730insGTAACAAATACTGAACATCATCAACCCAGTA, p.Asn244Valfs (NM_001407652.1, NM_001407684.1, NM_001407854.1 and 52 more transcripts); c.651_652insGTAACAAATACTGAACATCATCAACCCAGTA, p.Asn218Valfs (NM_001407653.1, NM_001407654.1, NM_001407655.1 and 9 more transcripts); c.648_649insGTAACAAATACTGAACATCATCAACCCAGTA, p.Asn217Valfs (NM_001407659.1, NM_001407660.1, NM_001407661.1 and 3 more transcripts); c.588_589insGTAACAAATACTGAACATCATCAACCCAGTA, p.Asn197Valfs (NM_001407692.1, NM_001407694.1, NM_001407695.1 and 42 more transcripts); and 17 more; short protein forms N197fs, N244fs.
Identifiers: ClinVar variation 266574 (VCV000266574.4), dbSNP rs886040314, ClinGen allele CA10589998.
Genomic context (GRCh38, chr17:43,094,801, plus strand): 5'-TACCCTGATACTTTTCTGGATGCCTCTCAGCTGCACGCTTCTCAGTGGTGTTCAAATCAT[T>TTACTGGGTTGATGATGTTCAGTATTTGTTAC]ATTACTGGGTTGATGATGTTCAGTATTTGTTACATCCGTCTCAGAAAATTCACAAGCAGC-3'

ClinVar aggregate classification (germline): Pathogenic (3 of 4 stars; one submission).

Conditions:
Breast-ovarian cancer, familial, susceptibility to, 1 (BROVCA1). Also called: BRCA1 Hereditary Breast and Ovarian Cancer; OVARIAN CANCER, SUSCEPTIBILITY TO. Identifiers: Orphanet 145, MedGen C2676676, MONDO:0011450, OMIM 604370. Disease mechanism: loss of function.

Submission:

Evidence-based Network for the Interpretation of Germline Mutant Alleles (ENIGMA)
Classification: Pathogenic for Breast-ovarian cancer, familial, susceptibility to, 1. Last evaluated: 2016-10-18. Review status: reviewed by expert panel. Criteria: ENIGMA BRCA1/2 Classification Criteria (2015). Collection method: curation. Allele origin: germline.
Comment: Variant allele predicted to encode a truncated non-functional protein.